The following is an entry in ClinVar:

ClinVar aggregate classification (germline): Uncertain significance. Review status: criteria provided, multiple submitters, no conflicts (2 of 4 stars). 3 submissions from 3 submitters: Uncertain significance (3). Last evaluated 2025-04-19.

Conditions:
Inborn genetic diseases. Identifiers: MedGen C0950123, MeSH D030342.
Van Maldergem syndrome 2 (VMLDS2). Identifiers: Orphanet 314679, MedGen C3809875, MONDO:0014242, OMIM 615546.
Hennekam lymphangiectasia-lymphedema syndrome 2 (HKLLS2). Identifiers: Orphanet 2136, MedGen C4014939, MONDO:0014454, OMIM 616006.

Allele frequency attached by ClinVar (database versions not stated): gnomAD exomes below 0.00001.
gnomAD v4.1: 3 of 1,614,100 alleles (0.00019%); highest among the groups gnomAD compares: Non-Finnish European, 0.00017%; no homozygotes.

Submissions (3):

Labcorp Genetics (formerly Invitae), Labcorp
Classification: Uncertain significance. Last evaluated: 2025-04-19. Review status: criteria provided, single submitter. Criteria: Invitae Variant Classification Sherloc (09022015). Collection method: clinical testing. Allele origin: germline.
Comment: This sequence change replaces lysine, which is basic and polar, with glutamic acid, which is acidic and polar, at codon 3125 of the FAT4 protein (p.Lys3125Glu). This variant is present in population databases (rs369383548, gnomAD 0.0009%). This variant has not been reported in the literature in individuals affected with FAT4-related conditions. ClinVar contains an entry for this variant (Variation ID: 2524863). Invitae Evidence Modeling of protein sequence and biophysical properties (such as structural, functional, and spatial information, amino acid conservation, physicochemical variation, residue mobility, and thermodynamic stability) indicates that this missense variant is not expected to disrupt FAT4 protein function with a negative predictive value of 95%. In summary, the available evidence is currently insufficient to determine the role of this variant in disease. Therefore, it has been classified as a Variant of Uncertain Significance.

Fulgent Genetics
Classification: Uncertain significance for Van Maldergem syndrome 2; Hennekam lymphangiectasia-lymphedema syndrome 2. Last evaluated: 2024-04-10. Review status: criteria provided, single submitter. Criteria: ACMG Guidelines, 2015. Collection method: clinical testing. Allele origin: germline.

Ambry Genetics
Classification: Uncertain significance for Inborn genetic diseases. Last evaluated: 2023-05-17. Review status: criteria provided, single submitter. Criteria: Ambry Variant Classification Scheme 2023. Collection method: clinical testing. Allele origin: germline.

NM_001291303.3(FAT4):c.9379A>G (p.Lys3127Glu)

Gene: FAT4 (FAT atypical cadherin 4; plus strand). Cytogenetic location: 4q28.1.
Variant type: single nucleotide variant.
Coding change: c.9379A>G on transcript NM_001291303.3 (MANE Select); coding-DNA position 9379, A replaced by G.
Protein change: p.Lys3127Glu; replaces lysine 3127 with glutamic acid.
Molecular consequence: missense variant.
Genome position (GRCh38, 1-based): chr4:125,450,389, A>G. VCF-style: chr4-125450389-A-G. GRCh37 (hg19) VCF-style: chr4-126371544-A-G.
Other names: c.9379A>G, p.Lys3127Glu (NM_001291285.3); c.9373A>G, p.Lys3125Glu (NM_024582.6); c.9373A>G (NM_024582.5); short protein forms K3125E, K3127E.
Identifiers: ClinVar variation 2524863 (VCV002524863.4), dbSNP rs369383548, ClinGen allele CA104881769.